The following is an entry in ClinVar:

NM_000531.6(OTC):c.554C>G (p.Ser185Cys)

Gene: OTC (ornithine transcarbamylase; plus strand). Cytogenetic location: Xp11.4.
Variant type: single nucleotide variant.
Coding change: c.554C>G on transcript NM_000531.6 (MANE Select); coding-DNA position 554, C replaced by G.
Protein change: p.Ser185Cys; replaces serine 185 with cysteine.
Molecular consequence: missense variant.
Genome position (GRCh38, 1-based): chrX:38,403,631, C>G. VCF-style: chrX-38403631-C-G. GRCh37 (hg19) VCF-style: chrX-38262884-C-G.
Other names: c.554C>G, p.Ser185Cys (NM_001407092.1); short protein forms S185C.
Identifiers: ClinVar variation 4766780 (VCV004766780.1).

ClinVar aggregate classification (germline): Uncertain significance (1 of 4 stars; one submission).

Conditions:
Ornithine carbamoyltransferase deficiency (OTCD). Also called: ORNITHINE TRANSCARBAMYLASE DEFICIENCY; ORNITHINE TRANSCARBAMYLASE DEFICIENCY, HYPERAMMONEMIA DUE TO; OTC DEFICIENCY; Ornithine Carbamoyltransferase Deficiency Disease. Identifiers: Orphanet 664, MedGen C0268542, MONDO:0010703, OMIM 311250.

Submission:

Labcorp Genetics (formerly Invitae), Labcorp
Classification: Uncertain significance for Ornithine carbamoyltransferase deficiency. Last evaluated: 2025-11-06. Review status: criteria provided, single submitter. Criteria: Invitae Variant Classification Sherloc (09022015). Collection method: clinical testing. Allele origin: germline.
Comment: This sequence change replaces serine, which is neutral and polar, with cysteine, which is neutral and slightly polar, at codon 185 of the OTC protein (p.Ser185Cys). This variant is not present in population databases (gnomAD no frequency). This variant has not been reported in the literature in individuals affected with OTC-related conditions. Invitae Evidence Modeling of protein sequence and biophysical properties (such as structural, functional, and spatial information, amino acid conservation, physicochemical variation, residue mobility, and thermodynamic stability) has been performed for this missense variant. However, the output from this modeling did not meet the statistical confidence thresholds required to predict the impact of this variant on OTC protein function. In summary, the available evidence is currently insufficient to determine the role of this variant in disease. Therefore, it has been classified as a Variant of Uncertain Significance.